The following is an entry in ClinVar:

NM_152443.3(RDH12):c.608G>C (p.Ser203Thr)

Genes: RDH12 (retinol dehydrogenase 12; plus strand), GPHN (gephyrin; plus strand). Cytogenetic location: 14q24.1.
Variant type: single nucleotide variant.
Coding change: c.608G>C on transcript NM_152443.3 (MANE Select); coding-DNA position 608, G replaced by C.
Protein change: p.Ser203Thr; replaces serine 203 with threonine.
Molecular consequence: missense variant.
Genome position (GRCh38, 1-based): chr14:67,727,140, G>C. VCF-style: chr14-67727140-G-C. GRCh37 (hg19) VCF-style: chr14-68193857-G-C.
Other names: short protein forms S203T.
Identifiers: ClinVar variation 841273 (VCV000841273.10), dbSNP rs1374822427, ClinGen allele CA390151474.

ClinVar aggregate classification (germline): Uncertain significance. Review status: criteria provided, single submitter (1 of 4 stars). 2 submissions from 2 submitters: Uncertain significance (1). 1 of the submissions does not count toward it. Last evaluated 2022-10-05.

Conditions:
Leber congenital amaurosis 13 (LCA13). Identifiers: MedGen C2675186, MONDO:0012990, OMIM 612712.
Leber congenital amaurosis (LCA). Also called: Leber's amaurosis. Identifiers: Orphanet 65, MedGen C0339527, MeSH D057130, MONDO:0018998.

Submissions (2):

Labcorp Genetics (formerly Invitae), Labcorp
Classification: Uncertain significance for Leber congenital amaurosis 13. Last evaluated: 2022-10-05. Review status: criteria provided, single submitter. Criteria: Invitae Variant Classification Sherloc (09022015). Collection method: clinical testing. Allele origin: germline.
Comment: This missense change has been observed in individual(s) with retinal dystrophy (Invitae). In summary, the available evidence is currently insufficient to determine the role of this variant in disease. Therefore, it has been classified as a Variant of Uncertain Significance. This variant disrupts the p.Ser203 amino acid residue in RDH12. Other variant(s) that disrupt this residue have been determined to be pathogenic (PMID: 22065924, 28418496; Invitae). This suggests that this residue is clinically significant, and that variants that disrupt this residue are likely to be disease-causing. Advanced modeling of protein sequence and biophysical properties (such as structural, functional, and spatial information, amino acid conservation, physicochemical variation, residue mobility, and thermodynamic stability) performed at Invitae indicates that this missense variant is not expected to disrupt RDH12 protein function. ClinVar contains an entry for this variant (Variation ID: 841273). This variant is not present in population databases (gnomAD no frequency). This sequence change replaces serine, which is neutral and polar, with threonine, which is neutral and polar, at codon 203 of the RDH12 protein (p.Ser203Thr).

Natera, Inc.
Classification: Uncertain significance for Leber congenital amaurosis. Last evaluated: 2021-08-18. Review status: no assertion criteria provided. Collection method: clinical testing. Allele origin: germline. Not counted in ClinVar's aggregate classification.

Literature cited by the submitters: PubMed 22065924 (cited by Labcorp Genetics (formerly Invitae), Labcorp); PubMed 28418496 (cited by Labcorp Genetics (formerly Invitae), Labcorp).